The following is an entry in ClinVar:

ClinVar aggregate classification (germline): Uncertain significance (1 of 4 stars; one submission).

Conditions:
Primary ciliary dyskinesia. Also called: Ciliary dyskinesia. Identifiers: Orphanet 244, MedGen C0008780, MONDO:0016575, HP:0012265.

Allele frequency attached by ClinVar (database versions not stated): ExAC 0.00002; ESP Exome Variant Server 0.00008; 1000 Genomes Project 30x 0.00016; 1000 Genomes Project 0.00020.
gnomAD v4.1: 14 of 1,613,260 alleles (0.00087%); highest among the groups gnomAD compares: Middle Eastern, 0.017%; no homozygotes.

Submission:

Labcorp Genetics (formerly Invitae), Labcorp
Classification: Uncertain significance for Primary ciliary dyskinesia. Last evaluated: 2025-11-06. Review status: criteria provided, single submitter. Criteria: Invitae Variant Classification Sherloc (09022015). Collection method: clinical testing. Allele origin: germline.
Comment: This sequence change replaces arginine, which is basic and polar, with histidine, which is basic and polar, at codon 4490 of the DNAH8 protein (p.Arg4490His). This variant is present in population databases (rs202160082, gnomAD 0.008%). This variant has not been reported in the literature in individuals affected with DNAH8-related conditions. ClinVar contains an entry for this variant (Variation ID: 2028230). Invitae Evidence Modeling of protein sequence and biophysical properties (such as structural, functional, and spatial information, amino acid conservation, physicochemical variation, residue mobility, and thermodynamic stability) indicates that this missense variant is not expected to disrupt DNAH8 protein function with a negative predictive value of 80%. In summary, the available evidence is currently insufficient to determine the role of this variant in disease. Therefore, it has been classified as a Variant of Uncertain Significance.

NM_001206927.2(DNAH8):c.13469G>A (p.Arg4490His)

Gene: DNAH8 (dynein axonemal heavy chain 8; plus strand). Cytogenetic location: 6p21.2.
Variant type: single nucleotide variant.
Coding change: c.13469G>A on transcript NM_001206927.2 (MANE Select); coding-DNA position 13469, G replaced by A.
Protein change: p.Arg4490His; replaces arginine 4490 with histidine.
Molecular consequence: missense variant.
Genome position (GRCh38, 1-based): chr6:39,012,312, G>A. VCF-style: chr6-39012312-G-A. GRCh37 (hg19) VCF-style: chr6-38980088-G-A.
Other names: c.12818G>A, p.Arg4273His (NM_001371.4); short protein forms R4490H, R4273H.
Identifiers: ClinVar variation 2028230 (VCV002028230.4), dbSNP rs202160082, ClinGen allele CA3791679.